The following is an entry in ClinVar:

ClinVar aggregate classification (germline): Likely benign (1 of 4 stars; one submission).

Submission:

GeneDx
Classification: Likely benign. Last evaluated: 2021-01-22. Review status: criteria provided, single submitter. Criteria: GeneDx Variant Classification Process June 2021. Collection method: clinical testing. Allele origin: germline. Affected: yes.
Comment: See Variant Classification Assertion Criteria.

NM_015352.2(POFUT1):c.978+54_978+119del

Gene: POFUT1 (protein O-fucosyltransferase 1; plus strand). Cytogenetic location: 20q11.21.
Variant type: Deletion.
Coding change: c.978+54_978+119del on transcript NM_015352.2 (MANE Select); bases 54 to 119 of the intron after coding-DNA position 978, 66 bases deleted.
Molecular consequence: intron variant.
Genome position (GRCh38, 1-based): chr20:32,231,115-32,231,180, 66 bases deleted. GRCh37 (hg19): chr20:30,818,918-30,818,983.
Identifiers: ClinVar variation 2574364 (VCV002574364.1), dbSNP rs1555891438, ClinGen allele CA635001489.